The following is an entry in ClinVar:

NM_018699.4(PRDM5):c.1666C>T (p.Gln556Ter)

Gene: PRDM5 (PR/SET domain 5; minus strand). Cytogenetic location: 4q27.
Variant type: single nucleotide variant.
Coding change: c.1666C>T on transcript NM_018699.4 (MANE Select); coding-DNA position 1666, C replaced by T.
Protein change: p.Gln556Ter; replaces glutamine 556 with a stop codon.
Molecular consequence: nonsense. On other transcripts: missense variant (1), intron variant (1).
Genome position (GRCh38, 1-based): chr4:120,710,371, G>A on the plus strand (C>T on the coding strand, the complement: PRDM5 is on the minus strand). VCF-style: chr4-120710371-G-A. GRCh37 (hg19) VCF-style: chr4-121631526-G-A.
Other names: c.1573C>T, p.Gln525Ter (NM_001300823.2); c.1487C>T, p.Pro496Leu (NM_001300824.2); c.1699C>T, p.Gln567Ter (NM_001379104.1); c.1531-15096C>T (NM_001379106.1); short protein forms Q556*, P496L, Q567*, Q525*.
Identifiers: ClinVar variation 1777575 (VCV001777575.5), dbSNP rs2529843313, ClinGen allele CA358206939.

ClinVar aggregate classification (germline): Pathogenic/Likely pathogenic. Review status: criteria provided, multiple submitters, no conflicts (2 of 4 stars). 2 submissions from 2 submitters: Pathogenic (1); Likely pathogenic (1). Last evaluated 2023-04-26.

Conditions:
Cardiovascular phenotype. Identifiers: MedGen CN230736.

Submissions (2):

Labcorp Genetics (formerly Invitae), Labcorp
Classification: Pathogenic. Last evaluated: 2023-04-26. Review status: criteria provided, single submitter. Criteria: Invitae Variant Classification Sherloc (09022015). Collection method: clinical testing. Allele origin: germline.
Comment: For these reasons, this variant has been classified as Pathogenic. ClinVar contains an entry for this variant (Variation ID: 1777575). This variant has not been reported in the literature in individuals affected with PRDM5-related conditions. This variant is not present in population databases (gnomAD no frequency). This sequence change creates a premature translational stop signal (p.Gln556*) in the PRDM5 gene. It is expected to result in an absent or disrupted protein product. Loss-of-function variants in PRDM5 are known to be pathogenic (PMID: 21664999, 26395458).

Ambry Genetics
Classification: Likely pathogenic for Cardiovascular phenotype. Last evaluated: 2020-04-13. Review status: criteria provided, single submitter. Criteria: Ambry Variant Classification Scheme 2023. Collection method: clinical testing. Allele origin: germline.
Comment: The p.Q556* variant (also known as c.1666C>T), located in coding exon 15 of the PRDM5 gene, results from a C to T substitution at nucleotide position 1666. This changes the amino acid from a glutamine to a stop codon within coding exon 15. This alteration is expected to result in loss of function by premature protein truncation or nonsense-mediated mRNA decay. Based on the majority of available evidence to date, this variant is likely to be pathogenic.

Literature cited by the submitters: PubMed 21664999 (cited by Labcorp Genetics (formerly Invitae), Labcorp); PubMed 26395458 (cited by Labcorp Genetics (formerly Invitae), Labcorp).